The following is an entry in ClinVar:

ClinVar aggregate classification (germline): Uncertain significance (1 of 4 stars; one submission).

Allele frequency attached by ClinVar (database versions not stated): gnomAD exomes below 0.00001; TOPMed 0.00001.
gnomAD v4.1: 2 of 1,612,832 alleles (0.00012%); highest among the groups gnomAD compares: African/African-American, 0.0013%; no homozygotes.

Submission:

Labcorp Genetics (formerly Invitae), Labcorp
Classification: Uncertain significance. Last evaluated: 2022-07-25. Review status: criteria provided, single submitter. Criteria: Invitae Variant Classification Sherloc (09022015). Collection method: clinical testing. Allele origin: germline.
Comment: ClinVar contains an entry for this variant (Variation ID: 937645). In summary, the available evidence is currently insufficient to determine the role of this variant in disease. Therefore, it has been classified as a Variant of Uncertain Significance. Algorithms developed to predict the effect of missense changes on protein structure and function are either unavailable or do not agree on the potential impact of this missense change (SIFT: "Deleterious"; PolyPhen-2: "Probably Damaging"; Align-GVGD: "Class C15"). This variant has not been reported in the literature in individuals affected with GNAT2-related conditions. This variant is not present in population databases (gnomAD no frequency). This sequence change replaces glycine, which is neutral and non-polar, with glutamic acid, which is acidic and polar, at codon 217 of the GNAT2 protein (p.Gly217Glu).

NM_001377295.2(GNAT2):c.650G>A (p.Gly217Glu)

Genes: GNAT2 (G protein subunit alpha transducin 2; minus strand), LOC129388577 (MPRA-validated peak357 silencer; plus strand). Cytogenetic location: 1p13.3.
Variant type: single nucleotide variant.
Coding change: c.650G>A on transcript NM_001377295.2 (MANE Select); coding-DNA position 650, G replaced by A.
Protein change: p.Gly217Glu; replaces glycine 217 with glutamic acid.
Molecular consequence: missense variant.
Genome position (GRCh38, 1-based): chr1:109,606,040, C>T on the plus strand (G>A on the coding strand, the complement: GNAT2 is on the minus strand). VCF-style: chr1-109606040-C-T. GRCh37 (hg19) VCF-style: chr1-110148662-C-T.
Other names: c.650G>A, p.Gly217Glu (NM_001379232.1, NM_005272.5); short protein forms G217E.
Identifiers: ClinVar variation 937645 (VCV000937645.7), dbSNP rs1649580974, ClinGen allele CA341537058.